The following is an entry in ClinVar:

ClinVar aggregate classification (germline): Conflicting classifications of pathogenicity. Review status: criteria provided, conflicting classifications (1 of 4 stars). 3 submissions from 3 submitters: Uncertain significance (2); Likely benign (1). Last evaluated 2025-08-14.

Conditions:
CHARGE syndrome (CHARGE). Also called: Hittner Hirsch Kreh syndrome; CHARGE ASSOCIATION--COLOBOMA, HEART ANOMALY, CHOANAL ATRESIA, RETARDATION, GENITAL AND EAR ANOMALIES; Coloboma, heart anomaly, choanal atresia, retardation, genital and ear anomalies; CHARGE association; Hall-Hittner syndrome. Identifiers: Orphanet 138, MedGen C0265354, MONDO:0008965.

Allele frequency attached by ClinVar (database versions not stated): ExAC 0.00001; gnomAD 0.00001; gnomAD exomes 0.00001 and 0.00002.
gnomAD v4.1: 14 of 1,613,552 alleles (0.00087%); highest among the groups gnomAD compares: East Asian, 0.0045%; no homozygotes.

Submissions (3):

GeneDx
Classification: Uncertain significance. Last evaluated: 2025-08-14. Review status: criteria provided, single submitter. Criteria: GeneDx Variant Classification Process June 2021. Collection method: clinical testing. Allele origin: germline. Affected: yes.
Comment: Identified in a patient with CHARGE syndrome and an unaffected parent in published literature (PMID: 18445044); In silico analysis supports that this missense variant has a deleterious effect on protein structure/function; This variant is associated with the following publications: (PMID: 18445044)

Labcorp Genetics (formerly Invitae), Labcorp
Classification: Likely benign for CHARGE syndrome. Last evaluated: 2024-06-21. Review status: criteria provided, single submitter. Criteria: Invitae Variant Classification Sherloc (09022015). Collection method: clinical testing. Allele origin: germline.

Genetic Services Laboratory, University of Chicago
Classification: Uncertain significance. Last evaluated: 2020-10-20. Review status: criteria provided, single submitter. Criteria: ACMG Guidelines, 2015. Collection method: clinical testing. Allele origin: germline. Affected: no.
Comment: DNA sequence analysis of the CHD7 gene demonstrated a sequence change, c.4774C>T, in exon 21 that results in an amino acid change, p.Arg1592Trp. This sequence change does not appear to have been previously described in patients with CHD7-related disorders and has been described in the gnomAD database in four individuals with an overall population frequency of 0.002% (dbSNP rs773187713). The p.Arg1592Trp change affects a highly conserved amino acid residue located in a domain of the CHD7 protein that is not known to be functional. The p.Arg1592Trp substitution appears to be deleterious using several in-silico pathogenicity prediction tools (SIFT, PolyPhen2, Align GVGD, REVEL). Due to these contrasting evidences and the lack of functional studies, the clinical significance of the p.Arg1592Trp change remains unknown at this time.

NM_017780.4(CHD7):c.4774C>T (p.Arg1592Trp)

Gene: CHD7 (chromodomain helicase DNA binding protein 7; plus strand). Cytogenetic location: 8q12.2.
Variant type: single nucleotide variant.
Coding change: c.4774C>T on transcript NM_017780.4 (MANE Select); coding-DNA position 4774, C replaced by T.
Protein change: p.Arg1592Trp; replaces arginine 1592 with tryptophan.
Molecular consequence: missense variant. On other transcripts: intron variant (1).
Genome position (GRCh38, 1-based): chr8:60,841,976, C>T. VCF-style: chr8-60841976-C-T. GRCh37 (hg19) VCF-style: chr8-61754535-C-T.
Other names: c.4774C>T (NM_017780.2); c.1717-20253C>T (NM_001316690.1); short protein forms R1592W.
Identifiers: ClinVar variation 1337697 (VCV001337697.7), dbSNP rs773187713, ClinGen allele CA4760189.